The following is an entry in ClinVar:

NM_000181.4(GUSB):c.1654-3T>C

Gene: GUSB (glucuronidase beta; minus strand). Cytogenetic location: 7q11.21.
Variant type: single nucleotide variant.
Coding change: c.1654-3T>C on transcript NM_000181.4 (MANE Select); 3 bases into the intron before coding-DNA position 1654, T replaced by C.
Molecular consequence: intron variant.
Genome position (GRCh38, 1-based): chr7:65,964,461, A>G on the plus strand (T>C on the coding strand, the complement: GUSB is on the minus strand). VCF-style: chr7-65964461-A-G. GRCh37 (hg19) VCF-style: chr7-65429448-A-G.
Other names: c.1654-3T>C (NM_000181.3); c.997-3T>C (NM_001293105.2); c.1084-3T>C (NM_001293104.2); c.1216-3T>C (NM_001284290.2).
Identifiers: ClinVar variation 1934144 (VCV001934144.3), dbSNP rs763536228, ClinGen allele CA4276209.

ClinVar aggregate classification (germline): Uncertain significance. Review status: criteria provided, single submitter (1 of 4 stars). 2 submissions from 2 submitters: Uncertain significance (1). 1 of the submissions does not count toward it. Last evaluated 2022-08-09.

Conditions:
Mucopolysaccharidosis type 7 (MPS7). Also called: GUSB DEFICIENCY; SLY SYNDROME; MPS VII; BETA-GLUCURONIDASE DEFICIENCY. Identifiers: Orphanet 584, MedGen C0085132, MONDO:0009662, OMIM 253220.
GUSB-related disorder. Also called: GUSB-related condition.

Allele frequency attached by ClinVar (database versions not stated): gnomAD exomes below 0.00001; ExAC 0.00001; gnomAD 0.00001; TOPMed 0.00001.
gnomAD v4.1: 5 of 1,610,372 alleles (0.00031%); highest among the groups gnomAD compares: Admixed American, 0.0083%; no homozygotes.

Submissions (2):

Labcorp Genetics (formerly Invitae), Labcorp
Classification: Uncertain significance for Mucopolysaccharidosis type 7. Last evaluated: 2022-08-09. Review status: criteria provided, single submitter. Criteria: Invitae Variant Classification Sherloc (09022015). Collection method: clinical testing. Allele origin: germline.
Comment: This sequence change falls in intron 10 of the GUSB gene. It does not directly change the encoded amino acid sequence of the GUSB protein. It affects a nucleotide within the consensus splice site. This variant is present in population databases (rs763536228, gnomAD 0.009%). This variant has not been reported in the literature in individuals affected with GUSB-related conditions. Variants that disrupt the consensus splice site are a relatively common cause of aberrant splicing (PMID: 17576681, 9536098). Algorithms developed to predict the effect of sequence changes on RNA splicing suggest that this variant is not likely to affect RNA splicing. In summary, the available evidence is currently insufficient to determine the role of this variant in disease. Therefore, it has been classified as a Variant of Uncertain Significance.

PreventionGenetics, part of Exact Sciences
Classification: Likely benign for GUSB-related condition. Last evaluated: 2024-08-05. Review status: no assertion criteria provided. Collection method: clinical testing. Allele origin: germline. Not counted in ClinVar's aggregate classification.
Comment: This variant is classified as likely benign based on ACMG/AMP sequence variant interpretation guidelines (Richards et al. 2015 PMID: 25741868, with internal and published modifications).

Literature cited by the submitters: PubMed 17576681 (cited by Labcorp Genetics (formerly Invitae), Labcorp); PubMed 9536098 (cited by Labcorp Genetics (formerly Invitae), Labcorp).